The following is an entry in ClinVar:

NM_000180.4(GUCY2D):c.61_62inv (p.Trp21Gln)

Gene: GUCY2D (guanylate cyclase 2D, retinal; plus strand). Cytogenetic location: 17p13.1.
Variant type: Inversion.
Coding change: c.61_62inv on transcript NM_000180.4 (MANE Select).
Protein change: p.Trp21Gln; replaces tryptophan 21 with glutamine.
Molecular consequence: missense variant.
Genome position: GRCh38 VCF-style: chr17-8003108-TG-CA. GRCh37 (hg19) VCF-style: chr17-7906426-TG-CA.
Other names: short protein forms W21Q.
Identifiers: ClinVar variation 1712097 (VCV001712097.3), ClinGen allele CA2580094888.

ClinVar aggregate classification (germline): Uncertain significance. Review status: criteria provided, multiple submitters, no conflicts (2 of 4 stars). 2 submissions from 2 submitters: Uncertain significance (2). Last evaluated 2022-09-02.

Submissions (2):

Blueprint Genetics
Classification: Uncertain significance. Last evaluated: 2022-09-02. Review status: criteria provided, single submitter. Criteria: ACMG Guidelines, 2015. Collection method: clinical testing. Allele origin: germline.

GeneDx
Classification: Uncertain significance. Last evaluated: 2022-03-21. Review status: criteria provided, single submitter. Criteria: GeneDx Variant Classification Process June 2021. Collection method: clinical testing. Allele origin: germline. Affected: yes.
Comment: Not observed at significant frequency in large population cohorts (gnomAD); In silico analysis supports that this variant does not alter protein structure/function; Has not been previously published as pathogenic or benign to our knowledge